The following is an entry in ClinVar:

ClinVar aggregate classification (germline): Uncertain significance. Review status: criteria provided, multiple submitters, no conflicts (2 of 4 stars). 3 submissions from 3 submitters: Uncertain significance (3). Last evaluated 2022-09-29.

Conditions:
Charcot-Marie-Tooth disease type 4. Also called: Charcot-Marie-Tooth disease, type IV; Charcot-Marie-Tooth, Type 4. Identifiers: Orphanet 64749, MedGen C4082197, MONDO:0018995.
Susceptibility to mononeuropathy of the median nerve, mild. Also called: CARPAL TUNNEL SYNDROME, SUSCEPTIBILITY TO. Identifiers: MedGen C3150596, MONDO:0013237, OMIM 613353.
Charcot-Marie-Tooth disease type 4C (CMT4C). Also called: Charcot-Marie-Tooth Neuropathy Type 4C (CMT4C); CHARCOT-MARIE-TOOTH DISEASE, DEMYELINATING, AUTOSOMAL RECESSIVE, TYPE 4C; SH3TC2-Related Hereditary Motor and Sensory Neuropathy; CHARCOT-MARIE-TOOTH DISEASE, DEMYELINATING, TYPE 4C; CMT 4C. Identifiers: Orphanet 99949, MedGen C1866636, MONDO:0011113, OMIM 601596.
Charcot-Marie-Tooth disease. Also called: Charcot-Marie-Tooth Hereditary Neuropathy; Charcot-Marie-Tooth Neuropathy. Identifiers: Orphanet 166, MedGen C0007959, MONDO:0015626.

Allele frequency attached by ClinVar (database versions not stated): gnomAD 0.00001; gnomAD exomes 0.00002 and 0.00003; TOPMed 0.00002; ExAC 0.00004.
gnomAD v4.1: 26 of 1,614,042 alleles (0.0016%); highest among the groups gnomAD compares: Middle Eastern, 0.016%; no homozygotes.

Submissions (3):

Labcorp Genetics (formerly Invitae), Labcorp
Classification: Uncertain significance for Charcot-Marie-Tooth disease type 4. Last evaluated: 2022-09-29. Review status: criteria provided, single submitter. Criteria: Invitae Variant Classification Sherloc (09022015). Collection method: clinical testing. Allele origin: germline.
Comment: This sequence change replaces valine, which is neutral and non-polar, with methionine, which is neutral and non-polar, at codon 187 of the SH3TC2 protein (p.Val187Met). This variant is present in population databases (rs745613768, gnomAD 0.004%). This missense change has been observed in individual(s) with Charcot-Marie-Tooth disease (PMID: 32376792). ClinVar contains an entry for this variant (Variation ID: 640103). Advanced modeling of protein sequence and biophysical properties (such as structural, functional, and spatial information, amino acid conservation, physicochemical variation, residue mobility, and thermodynamic stability) performed at Invitae indicates that this missense variant is not expected to disrupt SH3TC2 protein function. In summary, the available evidence is currently insufficient to determine the role of this variant in disease. Therefore, it has been classified as a Variant of Uncertain Significance.

Fulgent Genetics
Classification: Uncertain significance for Charcot-Marie-Tooth disease type 4C; Susceptibility to mononeuropathy of the median nerve, mild. Last evaluated: 2021-12-03. Review status: criteria provided, single submitter. Criteria: ACMG Guidelines, 2015. Collection method: clinical testing. Allele origin: unknown.

Molecular Genetics Laboratory, London Health Sciences Centre
Classification: Uncertain significance for Charcot-Marie-Tooth disease. Review status: criteria provided, single submitter. Criteria: ACMG Guidelines, 2015. Collection method: clinical testing. Allele origin: germline. Affected: yes.

Literature cited by the submitters: PubMed 32376792 (cited by Labcorp Genetics (formerly Invitae), Labcorp).

NM_024577.4(SH3TC2):c.559G>A (p.Val187Met)

Gene: SH3TC2 (SH3 domain and tetratricopeptide repeats 2; minus strand). Cytogenetic location: 5q32.
Variant type: single nucleotide variant.
Coding change: c.559G>A on transcript NM_024577.4 (MANE Select); coding-DNA position 559, G replaced by A.
Protein change: p.Val187Met; replaces valine 187 with methionine.
Molecular consequence: missense variant.
Genome position (GRCh38, 1-based): chr5:149,041,588, C>T on the plus strand (G>A on the coding strand, the complement: SH3TC2 is on the minus strand). VCF-style: chr5-149041588-C-T. GRCh37 (hg19) VCF-style: chr5-148421151-C-T.
Other names: short protein forms V187M.
Identifiers: ClinVar variation 640103 (VCV000640103.6), dbSNP rs745613768, ClinGen allele CA3499462.